The following is an entry in ClinVar:

NM_017534.6(MYH2):c.509G>A (p.Arg170Gln)

Genes: MYHAS (myosin heavy chain gene cluster antisense RNA; plus strand), MYH2 (myosin heavy chain 2; minus strand), LOC126862501 (CDK7 strongly-dependent group 2 enhancer GRCh37_chr17:10446256-10447455; plus strand). Cytogenetic location: 17p13.1.
Variant type: single nucleotide variant.
Coding change: c.509G>A on transcript NM_017534.6 (MANE Select); coding-DNA position 509, G replaced by A.
Protein change: p.Arg170Gln; replaces arginine 170 with glutamine.
Molecular consequence: missense variant.
Genome position (GRCh38, 1-based): chr17:10,544,124, C>T on the plus strand (G>A on the coding strand, the complement: MYH2 is on the minus strand). VCF-style: chr17-10544124-C-T. GRCh37 (hg19) VCF-style: chr17-10447441-C-T.
Other names: c.509G>A, p.Arg170Gln (NM_001100112.2); short protein forms R170Q.
Identifiers: ClinVar variation 465944 (VCV000465944.5), dbSNP rs778801023, ClinGen allele CA8391609.

ClinVar aggregate classification (germline): Uncertain significance (1 of 4 stars; one submission).

Conditions:
Myopathy, proximal, and ophthalmoplegia (CMYO6). Also called: INCLUSION BODY MYOPATHY 3, AUTOSOMAL DOMINANT; CONGENITAL MYOPATHY 6 WITH OPHTHALMOPLEGIA; MYOPATHY WITH CONGENITAL JOINT CONTRACTURES, OPHTHALMOPLEGIA, AND RIMMED VACUOLES. Identifiers: Orphanet 363677, Orphanet 79091, MedGen C1854106, MONDO:0011577, OMIM 605637.

Allele frequency attached by ClinVar (database versions not stated): TOPMed 0.00001; ExAC 0.00001; gnomAD exomes 0.00001.
gnomAD v4.1: 15 of 1,613,748 alleles (0.00093%); highest among the groups gnomAD compares: Non-Finnish European, 0.0011%; no homozygotes.

Submission:

Labcorp Genetics (formerly Invitae), Labcorp
Classification: Uncertain significance for Myopathy, proximal, and ophthalmoplegia. Last evaluated: 2022-07-06. Review status: criteria provided, single submitter. Criteria: Invitae Variant Classification Sherloc (09022015). Collection method: clinical testing. Allele origin: germline.
Comment: In summary, the available evidence is currently insufficient to determine the role of this variant in disease. Therefore, it has been classified as a Variant of Uncertain Significance. Algorithms developed to predict the effect of missense changes on protein structure and function (SIFT, PolyPhen-2, Align-GVGD) all suggest that this variant is likely to be disruptive. ClinVar contains an entry for this variant (Variation ID: 465944). This variant has not been reported in the literature in individuals affected with MYH2-related conditions. This variant is present in population databases (rs778801023, gnomAD 0.003%). This sequence change replaces arginine, which is basic and polar, with glutamine, which is neutral and polar, at codon 170 of the MYH2 protein (p.Arg170Gln).